The following is an entry in ClinVar:

ClinVar aggregate classification (germline): Uncertain significance (1 of 4 stars; one submission).

Conditions:
POLD1-related polyposis and colorectal cancer syndrome (CRCS10). Also called: Colorectal cancer 10; COLORECTAL CANCER, SUSCEPTIBILITY TO, ON CHROMOSOME 19q; Colorectal cancer, susceptibility to, 10. Identifiers: Orphanet 220460, MedGen C2675481, MONDO:0012953, OMIM 612591.

Submission:

Labcorp Genetics (formerly Invitae), Labcorp
Classification: Uncertain significance for POLD1-related polyposis and colorectal cancer syndrome. Last evaluated: 2024-07-08. Review status: criteria provided, single submitter. Criteria: Invitae Variant Classification Sherloc (09022015). Collection method: clinical testing. Allele origin: germline.
Comment: This sequence change replaces glycine, which is neutral and non-polar, with serine, which is neutral and polar, at codon 453 of the POLD1 protein (p.Gly453Ser). This variant is not present in population databases (gnomAD no frequency). This variant has not been reported in the literature in individuals affected with POLD1-related conditions. Advanced modeling of protein sequence and biophysical properties (such as structural, functional, and spatial information, amino acid conservation, physicochemical variation, residue mobility, and thermodynamic stability) performed at Invitae indicates that this missense variant is expected to disrupt POLD1 protein function with a positive predictive value of 80%. In summary, the available evidence is currently insufficient to determine the role of this variant in disease. Therefore, it has been classified as a Variant of Uncertain Significance.

NM_002691.4(POLD1):c.1357G>A (p.Gly453Ser)

Gene: POLD1 (DNA polymerase delta 1, catalytic subunit; plus strand). Cytogenetic location: 19q13.33.
Variant type: single nucleotide variant.
Coding change: c.1357G>A on transcript NM_002691.4 (MANE Select); coding-DNA position 1357, G replaced by A.
Protein change: p.Gly453Ser; replaces glycine 453 with serine.
Molecular consequence: missense variant. On other transcripts: non-coding transcript variant (1).
Genome position (GRCh38, 1-based): chr19:50,406,296, G>A. VCF-style: chr19-50406296-G-A. GRCh37 (hg19) VCF-style: chr19-50909553-G-A.
Other names: c.1357G>A, p.Gly453Ser (NM_001256849.1, NM_001308632.1); short protein forms G453S.
Identifiers: ClinVar variation 3658959 (VCV003658959.2).